The following is an entry in ClinVar:

ClinVar aggregate classification (germline): Pathogenic (1 of 4 stars; one submission).

Submission:

Illumina Laboratory Services, Illumina
Classification: Pathogenic. Last evaluated: 2021-06-11. Review status: criteria provided, single submitter. Criteria: ICSL CNVClassificationCriteria Aug2020. Collection method: clinical testing. Allele origin: unknown.
Comment: This CNV is a 18.9 kb deletion of 5q31.2-q31.3 on chromosome 5, (seq[GRCh37]del(5)(5q31.2-q31.3); chr5:139486394_139505318del), that was found in a de novo state. This CNV constitutes a full gene deletion of one protein coding gene, PURA. Deletions of this size have not been reported in the literature, but nonsense and frameshift variants resulting in truncation of the protein have been described in more than 35 individuals in the literature with PURA syndrome, with a majority of the variants occurring de novo (Lalani et al. 2014; Reijnders et al. 2018; Liu et al. 2021). Individuals with 5q31.3 microdeletion syndrome have overlapping phenotypes, and while those CNVs are much larger in size, ranging from 360 kb to 5 Mb, PURA has been noted to be an important gene in this syndrome (Lalani et al. 2014; Cinquina et al. 2020). This CNV has not been reported in controls. Based on the available evidence, this CNV is classified as pathogenic.

Literature cited by the submitters: PubMed 25439098; PubMed 29097605; PubMed 33275834; PubMed 33633953.

GRCh37/hg19 5q31.2-31.3(chr5:139486394-139505318)x1

Gene: PURA (purine rich element binding protein A; plus strand). Cytogenetic location: 5q31.2-31.3.
Variant type: copy number loss.
Change: copy number 1 (one copy instead of two) of chr5:139,486,394-139,505,318 (18.9 kb, GRCh37 coordinates, 1-based), cytogenetic band 5q31.2-31.3.
Identifiers: ClinVar variation 1328455 (VCV001328455.4).